The following is an entry in ClinVar:

NM_207361.6(FREM2):c.399del (p.Gly134fs)

Gene: FREM2 (FRAS1 related extracellular matrix 2; plus strand). Cytogenetic location: 13q13.3.
Variant type: Deletion.
Coding change: c.399del on transcript NM_207361.6 (MANE Select); coding-DNA position 399, one base deleted (T; older notation c.399delT).
Protein change: p.Gly134fs; shifts the reading frame from glycine 134.
Molecular consequence: frameshift variant.
Genome position (GRCh38, 1-based): chr13:38,687,743, T deleted. VCF-style (leftmost placement, unchanged base first): chr13-38687742-CT-C. GRCh37 (hg19) VCF-style: chr13-39261879-CT-C.
Other names: short protein forms G134fs.
Identifiers: ClinVar variation 916649 (VCV000916649.1), dbSNP rs1869545423, ClinGen allele CA1139663272.

ClinVar aggregate classification (germline): Pathogenic (1 of 4 stars; one submission).

Conditions:
Fraser syndrome 2 (FRASRS2). Identifiers: MedGen C4540036, MONDO:0054738, OMIM 617666.

Allele frequency attached by ClinVar (database versions not stated): gnomAD exomes below 0.00001.

Submission:

Service de Biochimie Médicale et Biologie Moléculaire, CHU Clermont-Ferrand
Classification: Pathogenic for Fraser syndrome 2. Last evaluated: 2018-09-14. Review status: criteria provided, single submitter. Criteria: ACMG Guidelines, 2015. Collection method: clinical testing. Allele origin: inherited. Inheritance: Autosomal recessive inheritance. Affected: yes.
Comment: This variant in homozygous state or compound heterozygous state induced Fraser syndrome phenotype